The following is an entry in ClinVar:

NM_018489.3(ASH1L):c.8245G>T (p.Ala2749Ser)

Gene: ASH1L (ASH1 like histone lysine methyltransferase; minus strand). Cytogenetic location: 1q22.
Variant type: single nucleotide variant.
Coding change: c.8245G>T on transcript NM_018489.3 (MANE Select); coding-DNA position 8245, G replaced by T.
Protein change: p.Ala2749Ser; replaces alanine 2749 with serine.
Molecular consequence: missense variant.
Genome position (GRCh38, 1-based): chr1:155,343,362, C>A on the plus strand (G>T on the coding strand, the complement: ASH1L is on the minus strand). VCF-style: chr1-155343362-C-A. GRCh37 (hg19) VCF-style: chr1-155313153-C-A.
Other names: c.8260G>T, p.Ala2754Ser (NM_001366177.2); short protein forms A2749S, A2754S.
Identifiers: ClinVar variation 5018005 (VCV005018005.1).

ClinVar aggregate classification (germline): Uncertain significance (1 of 4 stars; one submission).

Submission:

GeneDx
Classification: Uncertain significance. Last evaluated: 2026-03-31. Review status: criteria provided, single submitter. Criteria: GeneDx Variant Classification Process June 2021. Collection method: clinical testing. Allele origin: germline.
Comment: Not observed at significant frequency in large population cohorts (gnomAD); In silico analysis suggests that this missense variant does not alter protein structure/function; Has not been previously published as pathogenic or benign to our knowledge